The following is an entry in ClinVar:

NM_000158.4(GBE1):c.1934+5C>T

Gene: GBE1 (1,4-alpha-glucan branching enzyme 1; minus strand). Cytogenetic location: 3p12.2.
Variant type: single nucleotide variant.
Coding change: c.1934+5C>T on transcript NM_000158.4 (MANE Select); 5 bases into the intron after coding-DNA position 1934, C replaced by T.
Molecular consequence: intron variant.
Genome position (GRCh38, 1-based): chr3:81,535,190, G>A on the plus strand (C>T on the coding strand, the complement: GBE1 is on the minus strand). VCF-style: chr3-81535190-G-A. GRCh37 (hg19) VCF-style: chr3-81584341-G-A.
Identifiers: ClinVar variation 3752342 (VCV003752342.3).
Genomic context (GRCh38, chr3:81,535,190, plus strand): 5'-TTGTCCTATAATGTAATAAAGAAGTGAATGTGGACAGTCATATTCACTGGTAACAAAAAG[G>A]ATATTTCCCTGGCAATGCTGTTCCAACTCGGTAGTCAGTGTAGCTCTTGCTTGGATGGAA-3'

ClinVar aggregate classification (germline): Uncertain significance. Review status: criteria provided, multiple submitters, no conflicts (2 of 4 stars). 2 submissions from 2 submitters: Uncertain significance (2). Last evaluated 2024-09-09.

Conditions:
Glycogen storage disease, type IV (GSD4). Also called: AMYLOPECTINOSIS; ANDERSEN DISEASE; BRANCHER DEFICIENCY; CIRRHOSIS, FAMILIAL, WITH DEPOSITION OF ABNORMAL GLYCOGEN; GBE1 DEFICIENCY; GLYCOGEN BRANCHING ENZYME DEFICIENCY. Identifiers: Orphanet 367, MedGen C0017923, MONDO:0009292, OMIM 232500.
Glycogen storage disease IV, classic hepatic. Also called: GSD IV, CLASSIC HEPATIC. Identifiers: MedGen C1856301.

gnomAD v4.1: 3 of 1,608,300 alleles (0.00019%); highest among the groups gnomAD compares: Non-Finnish European, 0.00025%; no homozygotes.

Submissions (2):

GeneDx
Classification: Uncertain significance. Last evaluated: 2024-09-09. Review status: criteria provided, single submitter. Criteria: GeneDx Variant Classification Process June 2021. Collection method: clinical testing. Allele origin: germline. Affected: yes.
Comment: Not observed at significant frequency in large population cohorts (gnomAD); In silico analysis supports a deleterious effect on splicing; Has not been previously published as pathogenic or benign to our knowledge

Labcorp Genetics (formerly Invitae), Labcorp
Classification: Uncertain significance for Glycogen storage disease, type IV; Glycogen storage disease IV, classic hepatic. Last evaluated: 2024-08-09. Review status: criteria provided, single submitter. Criteria: Invitae Variant Classification Sherloc (09022015). Collection method: clinical testing. Allele origin: germline.
Comment: This sequence change falls in intron 14 of the GBE1 gene. It does not directly change the encoded amino acid sequence of the GBE1 protein. It affects a nucleotide within the consensus splice site. This variant is not present in population databases (gnomAD no frequency). This variant has not been reported in the literature in individuals affected with GBE1-related conditions. Variants that disrupt the consensus splice site are a relatively common cause of aberrant splicing (PMID: 17576681, 9536098). Algorithms developed to predict the effect of sequence changes on RNA splicing suggest that this variant may disrupt the consensus splice site. In summary, the available evidence is currently insufficient to determine the role of this variant in disease. Therefore, it has been classified as a Variant of Uncertain Significance.

Literature cited by the submitters: PubMed 17576681 (cited by Labcorp Genetics (formerly Invitae), Labcorp); PubMed 9536098 (cited by Labcorp Genetics (formerly Invitae), Labcorp).